The following is an entry in ClinVar:

ClinVar aggregate classification (germline): Uncertain significance (1 of 4 stars; one submission).

Conditions:
Dilated cardiomyopathy 1DD (CMD1DD). Identifiers: Orphanet 154, MedGen C2750995, MONDO:0013168, OMIM 613172.

Submission:

Labcorp Genetics (formerly Invitae), Labcorp
Classification: Uncertain significance for Dilated cardiomyopathy 1DD. Last evaluated: 2025-12-03. Review status: criteria provided, single submitter. Criteria: Invitae Variant Classification Sherloc (09022015). Collection method: clinical testing. Allele origin: germline.
Comment: This sequence change replaces glutamic acid, which is acidic and polar, with lysine, which is basic and polar, at codon 870 of the RBM20 protein (p.Glu870Lys). This variant is not present in population databases (gnomAD no frequency). This variant has not been reported in the literature in individuals affected with RBM20-related conditions. Invitae Evidence Modeling of protein sequence and biophysical properties (such as structural, functional, and spatial information, amino acid conservation, physicochemical variation, residue mobility, and thermodynamic stability) indicates that this missense variant is not expected to disrupt RBM20 protein function with a negative predictive value of 95%. In summary, the available evidence is currently insufficient to determine the role of this variant in disease. Therefore, it has been classified as a Variant of Uncertain Significance.

NM_001134363.3(RBM20):c.2608G>A (p.Glu870Lys)

Gene: RBM20 (RNA binding motif protein 20; plus strand). Cytogenetic location: 10q25.2.
Variant type: single nucleotide variant.
Coding change: c.2608G>A on transcript NM_001134363.3 (MANE Select); coding-DNA position 2608, G replaced by A.
Protein change: p.Glu870Lys; replaces glutamic acid 870 with lysine.
Molecular consequence: missense variant.
Genome position (GRCh38, 1-based): chr10:110,820,129, G>A. VCF-style: chr10-110820129-G-A. GRCh37 (hg19) VCF-style: chr10-112579887-G-A.
Other names: short protein forms E870K.
Identifiers: ClinVar variation 4772356 (VCV004772356.1).
Genomic context (GRCh38, chr10:110,820,129, plus strand): 5'-AAGGCTGGAAAAGAGGAACAGGAGGGCATGGAAGAAAGCCCTCAATCAGTGGGCAGACAG[G>A]AGAAAGAAGCAGAGTTCTCTGATCCGGAAAACACAAGGACAAAGAAGGTAAAGTTTGTTT-3'
Protein context (NP_001127835.2, residues 860-880): EESPQSVGRQ[Glu870Lys]KEAEFSDPEN